The following is an entry in ClinVar:

ClinVar aggregate classification (germline): Likely benign (1 of 4 stars; one submission).

Conditions:
CHL1-related disorder. Also called: CHL1-related condition.

gnomAD v4.1: 1 of 1,611,602 alleles (0.000062%); highest among the groups gnomAD compares: Non-Finnish European, 0.000085%; no homozygotes.

Submission:

PreventionGenetics, part of Exact Sciences
Classification: Likely benign for CHL1-related condition. Last evaluated: 2026-06-12. Review status: criteria provided, single submitter. Criteria: ACMG Guidelines, 2015. Collection method: clinical testing. Allele origin: germline.
Comment: This variant is classified as likely benign based on ACMG/AMP sequence variant interpretation guidelines (Richards et al. 2015 PMID: 25741868, with internal and published modifications).

NM_006614.4(CHL1):c.2176+8G>C

Genes: CHL1 (cell adhesion molecule L1 like; plus strand), CHL1-AS1 (CHL1 antisense RNA 1; minus strand). Cytogenetic location: 3p26.3.
Variant type: single nucleotide variant.
Coding change: c.2176+8G>C on transcript NM_006614.4 (MANE Select); 8 bases into the intron after coding-DNA position 2176, G replaced by C.
Molecular consequence: intron variant. On other transcripts: non-coding transcript variant (1).
Genome position (GRCh38, 1-based): chr3:382,679, G>C. VCF-style: chr3-382679-G-C. GRCh37 (hg19) VCF-style: chr3-424362-G-C.
Other names: c.2128+8G>C (NM_001253387.2); c.2176+8G>C (NM_001253388.1).
Identifiers: ClinVar variation 4991994 (VCV004991994.1).